The following is an entry in ClinVar:

NM_024598.4(USB1):c.217A>G (p.Thr73Ala)

Gene: USB1 (U6 snRNA biogenesis phosphodiesterase 1; plus strand). Cytogenetic location: 16q21.
Variant type: single nucleotide variant.
Coding change: c.217A>G on transcript NM_024598.4 (MANE Select); coding-DNA position 217, A replaced by G.
Protein change: p.Thr73Ala; replaces threonine 73 with alanine.
Molecular consequence: missense variant.
Genome position (GRCh38, 1-based): chr16:58,002,597, A>G. VCF-style: chr16-58002597-A-G. GRCh37 (hg19) VCF-style: chr16-58036501-A-G.
Other names: c.217A>G, p.Thr73Ala (NM_001195302.2, NM_001204911.2, NM_001330569.2); c.64A>G, p.Thr22Ala (NM_001330568.2); short protein forms T73A, T22A.
Identifiers: ClinVar variation 3813893 (VCV003813893.1).

ClinVar aggregate classification (germline): Uncertain significance (1 of 4 stars; one submission).

Conditions:
Inborn genetic diseases. Identifiers: MedGen C0950123, MeSH D030342.

Submission:

Ambry Genetics
Classification: Uncertain significance for Inborn genetic diseases. Last evaluated: 2025-02-09. Review status: criteria provided, single submitter. Criteria: Ambry Variant Classification Scheme 2023. Collection method: clinical testing. Allele origin: germline.
Comment: The p.T73A variant (also known as c.217A>G), located in coding exon 2 of the USB1 gene, results from an A to G substitution at nucleotide position 217. The threonine at codon 73 is replaced by alanine, an amino acid with similar properties. This amino acid position is conserved. In addition, this alteration is predicted to be tolerated by in silico analysis. Based on the available evidence, the clinical significance of this variant remains unclear.